The following is an entry in ClinVar:

ClinVar aggregate classification (germline): Uncertain significance (1 of 4 stars; one submission).

Conditions:
Gamma-aminobutyric acid transaminase deficiency (GABATD). Also called: GABA aminotransaminase deficiency; GABA transaminase deficiency; Gamma aminobutyrate transaminase deficiency; 4 alpha aminobutyrate transaminase deficiency. Identifiers: Orphanet 2066, MedGen C0342708, MONDO:0013166, OMIM 613163.

Allele frequency attached by ClinVar (database versions not stated): TOPMed 0.00001.

Submission:

Labcorp Genetics (formerly Invitae), Labcorp
Classification: Uncertain significance for Gamma-aminobutyric acid transaminase deficiency. Last evaluated: 2022-06-04. Review status: criteria provided, single submitter. Criteria: Invitae Variant Classification Sherloc (09022015). Collection method: clinical testing. Allele origin: germline.
Comment: This sequence change replaces arginine, which is basic and polar, with threonine, which is neutral and polar, at codon 187 of the ABAT protein (p.Arg187Thr). This variant is not present in population databases (gnomAD no frequency). This variant has not been reported in the literature in individuals affected with ABAT-related conditions. ClinVar contains an entry for this variant (Variation ID: 582600). Algorithms developed to predict the effect of missense changes on protein structure and function output the following: SIFT: "Tolerated"; PolyPhen-2: "Benign"; Align-GVGD: "Class C0". The threonine amino acid residue is found in multiple mammalian species, which suggests that this missense change does not adversely affect protein function. In summary, the available evidence is currently insufficient to determine the role of this variant in disease. Therefore, it has been classified as a Variant of Uncertain Significance.

NM_020686.6(ABAT):c.560G>C (p.Arg187Thr)

Gene: ABAT (4-aminobutyrate aminotransferase; plus strand). Cytogenetic location: 16p13.2.
Variant type: single nucleotide variant.
Coding change: c.560G>C on transcript NM_020686.6 (MANE Select); coding-DNA position 560, G replaced by C.
Protein change: p.Arg187Thr; replaces arginine 187 with threonine.
Molecular consequence: missense variant. On other transcripts: intron variant (4).
Genome position (GRCh38, 1-based): chr16:8,766,227, G>C. VCF-style: chr16-8766227-G-C. GRCh37 (hg19) VCF-style: chr16-8860084-G-C.
Other names: c.560G>C, p.Arg187Thr (NM_000663.5, NM_001127448.2, NM_001386600.1 and 7 more transcripts); c.467G>C, p.Arg156Thr (NM_001386608.1); c.425G>C, p.Arg142Thr (NM_001386610.1, NM_001386611.1); c.314G>C, p.Arg105Thr (NM_001386614.1); c.656G>C, p.Arg219Thr (NM_001386615.1); c.540+1397G>C (NM_001386607.1, NM_001386606.1); c.405+1397G>C (NM_001386612.1, NM_001386613.1); short protein forms R187T, R105T, R142T, R156T, R219T.
Identifiers: ClinVar variation 582600 (VCV000582600.6), dbSNP rs1156477140, ClinGen allele CA394688574.